The following is an entry in ClinVar:

NM_003588.4(CUL4B):c.52A>G (p.Thr18Ala)

Gene: CUL4B (cullin 4B; minus strand). Cytogenetic location: Xq24.
Variant type: single nucleotide variant.
Coding change: c.52A>G on transcript NM_003588.4; coding-DNA position 52, A replaced by G.
Protein change: p.Thr18Ala; replaces threonine 18 with alanine.
Molecular consequence: missense variant.
Genome position (GRCh38, 1-based): chrX:120,574,566, T>C on the plus strand (A>G on the coding strand, the complement: CUL4B is on the minus strand). VCF-style: chrX-120574566-T-C. GRCh37 (hg19) VCF-style: chrX-119708421-T-C.
Other names: short protein forms T18A.
Identifiers: ClinVar variation 1746685 (VCV001746685.4), dbSNP rs200034623, ClinGen allele CA10505801.

ClinVar aggregate classification (germline): Likely benign. Review status: criteria provided, single submitter (1 of 4 stars). 2 submissions from 2 submitters: Likely benign (1). 1 of the submissions does not count toward it. Last evaluated 2019-01-18.

Conditions:
CUL4B-related disorder. Also called: CUL4B-related condition.
Inborn genetic diseases. Identifiers: MedGen C0950123, MeSH D030342.

Allele frequency attached by ClinVar (database versions not stated): ESP Exome Variant Server 0.00009; gnomAD exomes 0.00007; ExAC 0.00001.
gnomAD v4.1: 81 of 1,202,782 alleles (0.0067%); highest among the groups gnomAD compares: Non-Finnish European, 0.0088%; no homozygotes.

Submissions (2):

Ambry Genetics
Classification: Likely benign for Inborn genetic diseases. Last evaluated: 2019-01-18. Review status: criteria provided, single submitter. Criteria: Ambry Variant Classification Scheme 2023. Collection method: clinical testing. Allele origin: germline.

PreventionGenetics, part of Exact Sciences
Classification: Likely benign for CUL4B-related condition. Last evaluated: 2023-04-09. Review status: no assertion criteria provided. Collection method: clinical testing. Allele origin: germline. Not counted in ClinVar's aggregate classification.
Comment: This variant is classified as likely benign based on ACMG/AMP sequence variant interpretation guidelines (Richards et al. 2015 PMID: 25741868, with internal and published modifications).